The following is an entry in ClinVar:

ClinVar aggregate classification (germline): Uncertain significance (1 of 4 stars; one submission).

Conditions:
Familial encephalopathy with neuroserpin inclusion bodies. Also called: ENCEPHALOPATHY, FAMILIAL, WITH COLLINS BODIES. Identifiers: Orphanet 85110, MedGen C1858680, MONDO:0011412, OMIM 604218.

Allele frequency attached by ClinVar (database versions not stated): gnomAD exomes below 0.00001; ExAC 0.00001; gnomAD 0.00001; TOPMed 0.00002.
gnomAD v4.1: 23 of 1,613,532 alleles (0.0014%); highest among the groups gnomAD compares: Non-Finnish European, 0.0018%; no homozygotes.

Submission:

Labcorp Genetics (formerly Invitae), Labcorp
Classification: Uncertain significance for Familial encephalopathy with neuroserpin inclusion bodies. Last evaluated: 2020-12-28. Review status: criteria provided, single submitter. Criteria: Invitae Variant Classification Sherloc (09022015). Collection method: clinical testing. Allele origin: germline.
Comment: This sequence change replaces glutamine with lysine at codon 260 of the SERPINI1 protein (p.Gln260Lys). The glutamine residue is highly conserved and there is a small physicochemical difference between glutamine and lysine. This variant is present in population databases (rs780784169, ExAC 0.001%). This variant has not been reported in the literature in individuals with SERPINI1-related conditions. Advanced modeling of protein sequence and biophysical properties (such as structural, functional, and spatial information, amino acid conservation, physicochemical variation, residue mobility, and thermodynamic stability) performed at Invitae indicates that this missense variant is not expected to disrupt SERPINI1 protein function. In summary, the available evidence is currently insufficient to determine the role of this variant in disease. Therefore, it has been classified as a Variant of Uncertain Significance.

NM_001122752.2(SERPINI1):c.778C>A (p.Gln260Lys)

Gene: SERPINI1 (serpin family I member 1; plus strand). Cytogenetic location: 3q26.1.
Variant type: single nucleotide variant.
Coding change: c.778C>A on transcript NM_001122752.2 (MANE Select); coding-DNA position 778, C replaced by A.
Protein change: p.Gln260Lys; replaces glutamine 260 with lysine.
Molecular consequence: missense variant.
Genome position (GRCh38, 1-based): chr3:167,794,721, C>A. VCF-style: chr3-167794721-C-A. GRCh37 (hg19) VCF-style: chr3-167512509-C-A.
Other names: c.778C>A, p.Gln260Lys (NM_005025.5); short protein forms Q260K.
Identifiers: ClinVar variation 1002011 (VCV001002011.8), dbSNP rs780784169, ClinGen allele CA2694883.
Genomic context (GRCh38, chr3:167,794,721, plus strand): 5'-CAAGTCCTAGAAATACCATATGAAGGAGATGAAATAAGCATGATGCTGGTGCTGTCCAGA[C>A]AGGAAGTTCCTCTTGCTACTCTGGAGCCATTAGTCAAAGCACAGCTGGTTGAAGAATGGG-3'
Protein context (NP_001116224.1, residues 250-270): EISMMLVLSR[Gln260Lys]EVPLATLEPL